The following is an entry in ClinVar:

ClinVar aggregate classification (germline): Pathogenic (0 of 4 stars; one submission).

Submission:

Quest Diagnostics Nichols Institute San Juan Capistrano
Classification: Pathogenic. Last evaluated: 2021-02-01. Review status: no assertion criteria provided. Collection method: clinical testing. Allele origin: germline.
Comment: The Xp21.1 deletion interval involves multiple exons of the DMD (dystrophin) gene (OMIM *300377) based on this microarray resolution. Dystrophinopathies including Becker Muscular Dystrophy (BMD) (OMIM #300376), Duchenne Muscular Dystrophy (DMD) (OMIM #310200), and DMD-Associated Dilated Cardiomyopathy (OMIM #302045) are X-linked recessive disorders caused by entire or intragenic DMD deletions and duplications as well as point mutations, primarily affecting the isoform expressed in the skeletal muscles. Age of onset and severity of progressive muscular weakness depend on the mutation characteristics (i.e., out- or in-frame in the case of exonic deletions or duplications). Manifesting carriers may demonstrate variable degrees of symptoms (mild, moderate, or severe muscular dystrophy) depending, in part, on patterns of X-chromosome inactivation. Carrier females might be at risk for dilated cardiomyopathy (DCM) (Darras BT et al., GeneReviews [Internet].

GRCh37/hg19 Xp21.1(chrX:31941493-32044401)x0

Gene: DMD (dystrophin; minus strand). Cytogenetic location: Xp21.1.
Variant type: copy number loss.
Change: copy number 0 of chrX:31,941,493-32,044,401 (102.9 kb, GRCh37 coordinates, 1-based), cytogenetic band Xp21.1.
Identifiers: ClinVar variation 1341160 (VCV001341160.1).